The following is an entry in ClinVar:

NM_002878.4(RAD51D):c.763del (p.Arg255fs)

Genes: RAD51D (RAD51 paralog D; minus strand), RAD51L3-RFFL (RAD51L3-RFFL readthrough; minus strand). Cytogenetic location: 17q12.
Variant type: Deletion.
Coding change: c.763del on transcript NM_002878.4 (MANE Select); coding-DNA position 763, one base deleted (A; older notation c.763delA).
Protein change: p.Arg255fs; shifts the reading frame from arginine 255.
Molecular consequence: frameshift variant. On other transcripts: non-coding transcript variant (3).
Genome position (GRCh38, 1-based): chr17:35,101,341, T deleted on the plus strand (A on the coding strand, the reverse complement: RAD51D is on the minus strand). VCF-style (leftmost placement, unchanged base first): chr17-35101340-CT-C. GRCh37 (hg19) VCF-style: chr17-33428359-CT-C.
Other names: c.823del, p.Arg275fs (NM_001142571.2); c.427del, p.Arg143fs (NM_133629.3); short protein forms R143fs, R275fs, R255fs.
Identifiers: ClinVar variation 4733865 (VCV004733865.2).

ClinVar aggregate classification (germline): Likely pathogenic. Review status: criteria provided, multiple submitters, no conflicts (2 of 4 stars). 2 submissions from 2 submitters: Likely pathogenic (2). Last evaluated 2026-05-12.

Conditions:
Breast-ovarian cancer, familial, susceptibility to, 4. Identifiers: Orphanet 145, MedGen C3280345, MONDO:0013669, OMIM 614291.

Submissions (2):

Myriad Genetics, Inc.
Classification: Likely pathogenic for Breast-ovarian cancer, familial, susceptibility to, 4. Last evaluated: 2026-05-12. Review status: criteria provided, single submitter. Criteria: Myriad Autosomal Dominant, Autosomal Recessive and X-Linked Classification Criteria (2023). Collection method: clinical testing. Allele origin: unknown.
Comment: This variant is considered likely pathogenic. This variant creates a frameshift predicted to result in premature protein truncation.

Labcorp Genetics (formerly Invitae), Labcorp
Classification: Likely pathogenic for Breast-ovarian cancer, familial, susceptibility to, 4. Last evaluated: 2025-12-22. Review status: criteria provided, single submitter. Criteria: Invitae Variant Classification Sherloc (09022015). Collection method: clinical testing. Allele origin: germline.
Comment: This sequence change creates a premature translational stop signal (p.Arg255Glyfs*55) in the RAD51D gene. While this is not anticipated to result in nonsense mediated decay, it is expected to disrupt the last 74 amino acid(s) of the RAD51D protein. This variant is not present in population databases (gnomAD no frequency). This variant has not been reported in the literature in individuals affected with RAD51D-related conditions. This variant disrupts the ATPase domain and RAD51C interaction domain of the RAD51D protein, which are necessary for the DNA repair activity (PMID: 14704354, 19327148, 21111057, 10749867). While functional studies have not been performed to directly test the effect of this variant on RAD51D protein function, this suggests that disruption of this region of the protein is causative of disease. In summary, the currently available evidence indicates that the variant is pathogenic, but additional data are needed to prove that conclusively. Therefore, this variant has been classified as Likely Pathogenic.

Literature cited by the submitters: PubMed 14704354 (cited by Labcorp Genetics (formerly Invitae), Labcorp); PubMed 19327148 (cited by Labcorp Genetics (formerly Invitae), Labcorp); PubMed 21111057 (cited by Labcorp Genetics (formerly Invitae), Labcorp); PubMed 10749867 (cited by Labcorp Genetics (formerly Invitae), Labcorp).